The following is an entry in ClinVar:

ClinVar aggregate classification (germline): Likely benign. Review status: criteria provided, multiple submitters, no conflicts (2 of 4 stars). 4 submissions from 4 submitters: Likely benign (2). 2 of the submissions do not count toward it. Last evaluated 2026-01-28.

Conditions:
ADGRG1-related disorder. Also called: ADGRG1-related condition.
Bilateral frontoparietal polymicrogyria. Also called: CEREBELLAR ATAXIA WITH NEURONAL MIGRATION DEFECT; CORTICAL DYSPLASIA, COMPLEX, WITH OTHER BRAIN MALFORMATIONS 14A (BILATERAL FRONTOPARIETAL). Identifiers: Orphanet 101070, MedGen C1847352, MONDO:0011738, OMIM 606854.

Allele frequency attached by ClinVar (database versions not stated): gnomAD exomes 0.00004 and 0.00012; ExAC 0.00017; 1000 Genomes Project 30x 0.00047; gnomAD 0.00050 and 0.00055; TOPMed 0.00054; 1000 Genomes Project 0.00060; ESP Exome Variant Server 0.00085.
gnomAD v4.1: 143 of 1,613,968 alleles (0.0089%); highest among the groups gnomAD compares: African/African-American, 0.17%; no homozygotes.

Submissions (4):

Labcorp Genetics (formerly Invitae), Labcorp
Classification: Likely benign. Last evaluated: 2026-01-28. Review status: criteria provided, single submitter. Criteria: Invitae Variant Classification Sherloc (09022015). Collection method: clinical testing. Allele origin: germline.

Breakthrough Genomics
Classification: Likely benign. Review status: criteria provided, single submitter. Criteria: ACMG Guidelines, 2015. Collection method: not provided. Allele origin: germline. Inheritance: Autosomal recessive inheritance. Affected: yes.

PreventionGenetics, part of Exact Sciences
Classification: Likely benign for ADGRG1-related condition. Last evaluated: 2023-11-22. Review status: no assertion criteria provided. Collection method: clinical testing. Allele origin: germline. Not counted in ClinVar's aggregate classification.
Comment: This variant is classified as likely benign based on ACMG/AMP sequence variant interpretation guidelines (Richards et al. 2015 PMID: 25741868, with internal and published modifications).

Natera, Inc.
Classification: Uncertain significance for Bilateral frontoparietal polymicrogyria. Last evaluated: 2020-01-24. Review status: no assertion criteria provided. Collection method: clinical testing. Allele origin: germline. Not counted in ClinVar's aggregate classification.

NM_201525.4(ADGRG1):c.711G>A (p.Val237=)

Gene: ADGRG1 (adhesion G protein-coupled receptor G1; plus strand). Cytogenetic location: 16q21.
Variant type: single nucleotide variant.
Coding change: c.711G>A on transcript NM_201525.4 (MANE Select); coding-DNA position 711, G replaced by A.
Protein change: p.Val237=; no amino-acid change (valine 237 retained).
Molecular consequence: synonymous variant.
Genome position (GRCh38, 1-based): chr16:57,654,076, G>A. VCF-style: chr16-57654076-G-A. GRCh37 (hg19) VCF-style: chr16-57687988-G-A.
Other names: c.711G>A, p.Val237= (NM_001145770.3, NM_001145771.3, NM_001145772.3 and 16 more transcripts); c.726G>A, p.Val242= (NM_001145773.3, NM_001370433.1); c.201G>A, p.Val67= (NM_001290142.2); c.186G>A, p.Val62= (NM_001290143.2, NM_001290144.2, NM_001370451.1 and 2 more transcripts); c.555G>A, p.Val185= (NM_001370442.1).
Identifiers: ClinVar variation 735534 (VCV000735534.15), dbSNP rs148219127, ClinGen allele CA8078490.